The following is an entry in ClinVar:

ClinVar aggregate classification (germline): Uncertain significance (1 of 4 stars; one submission).

Conditions:
Cardiovascular phenotype. Identifiers: MedGen CN230736.

Allele frequency attached by ClinVar (database versions not stated): gnomAD exomes below 0.00001.
gnomAD v4.1: 1 of 1,613,208 alleles (0.000062%); highest among the groups gnomAD compares: African/African-American, 0.0013%; no homozygotes.

Submission:

Ambry Genetics
Classification: Uncertain significance for Cardiovascular phenotype. Last evaluated: 2019-09-18. Review status: criteria provided, single submitter. Criteria: Ambry Variant Classification Scheme 2023. Collection method: clinical testing. Allele origin: germline.
Comment: The p.L300S variant (also known as c.899T>C), located in coding exon 2 of the NKX2-5 gene, results from a T to C substitution at nucleotide position 899. The leucine at codon 300 is replaced by serine, an amino acid with dissimilar properties. This amino acid position is highly conserved in available vertebrate species. In addition, this alteration is predicted to be deleterious by in silico analysis. Since supporting evidence is limited at this time, the clinical significance of this alteration remains unclear.

NM_004387.4(NKX2-5):c.899T>C (p.Leu300Ser)

Gene: NKX2-5 (NK2 homeobox 5; minus strand). Cytogenetic location: 5q35.1.
Variant type: single nucleotide variant.
Coding change: c.899T>C on transcript NM_004387.4 (MANE Select); coding-DNA position 899, T replaced by C.
Protein change: p.Leu300Ser; replaces leucine 300 with serine.
Molecular consequence: missense variant. On other transcripts: 3 prime UTR variant (2).
Genome position (GRCh38, 1-based): chr5:173,232,645, A>G on the plus strand (T>C on the coding strand, the complement: NKX2-5 is on the minus strand). VCF-style: chr5-173232645-A-G. GRCh37 (hg19) VCF-style: chr5-172659648-A-G.
Other names: c.*852T>C (NM_001166175.2); c.*698T>C (NM_001166176.2); short protein forms L300S.
Identifiers: ClinVar variation 1765391 (VCV001765391.2), dbSNP rs2480071018, ClinGen allele CA362160914.
Genomic context (GRCh38, chr5:173,232,645, plus strand): 5'-CCATGCAGCGTGGACACTCCCGAGTTGCTCTGCGGAATCCCGGGGCTCTGAACCGCATTC[A>G]AGTCCCCGACGCCGAAGTTCACGAAGTTGTTGTTGGCGGCGGCAGTGGCCGGCTGCGCTG-3'
Protein context (NP_004378.1, residues 290-310): NNFVNFGVGD[Leu300Ser]NAVQSPGIPQ